The following is an entry in ClinVar:

ClinVar aggregate classification (germline): Likely benign. Review status: criteria provided, multiple submitters, no conflicts (2 of 4 stars). 3 submissions from 3 submitters: Likely benign (3). Last evaluated 2024-08-01.

Allele frequency attached by ClinVar (database versions not stated): ExAC 0.00001; TOPMed 0.00001.
gnomAD v4.1: 26 of 1,611,110 alleles (0.0016%); highest among the groups gnomAD compares: Middle Eastern, 0.016%; no homozygotes.

Submissions (3):

CeGaT Center for Human Genetics Tuebingen
Classification: Likely benign. Last evaluated: 2024-08-01. Review status: criteria provided, single submitter. Criteria: CeGaT Center For Human Genetics Tuebingen Variant Classification Criteria Version 2. Collection method: clinical testing. Allele origin: germline. Affected: yes. Observed: 1 variant allele.
Comment: PPP2R1A: BP4, BP7

Labcorp Genetics (formerly Invitae), Labcorp
Classification: Likely benign. Last evaluated: 2024-05-21. Review status: criteria provided, single submitter. Criteria: Invitae Variant Classification Sherloc (09022015). Collection method: clinical testing. Allele origin: germline.

Blueprint Genetics
Classification: Likely benign. Last evaluated: 2023-02-08. Review status: criteria provided, single submitter. Criteria: ACMG Guidelines, 2015. Collection method: clinical testing. Allele origin: germline.

NM_014225.6(PPP2R1A):c.696C>T (p.Ala232=)

Gene: PPP2R1A (protein phosphatase 2 scaffold subunit Aalpha; plus strand). Cytogenetic location: 19q13.41.
Variant type: single nucleotide variant.
Coding change: c.696C>T on transcript NM_014225.6 (MANE Select); coding-DNA position 696, C replaced by T.
Protein change: p.Ala232=; no amino-acid change (alanine 232 retained).
Molecular consequence: synonymous variant. On other transcripts: non-coding transcript variant (1).
Genome position (GRCh38, 1-based): chr19:52,212,999, C>T. VCF-style: chr19-52212999-C-T. GRCh37 (hg19) VCF-style: chr19-52716252-C-T.
Other names: c.159C>T, p.Ala53= (NM_001363656.2).
Identifiers: ClinVar variation 1913803 (VCV001913803.22), dbSNP rs772983821, ClinGen allele CA9621409.
Genomic context (GRCh38, chr19:52,212,999, plus strand): 5'-CCTCTCCTCTCCCTAGGACTCGGTGCGGCTGCTGGCGGTGGAGGCGTGCGTGAACATCGC[C>T]CAGCTTCTGCCCCAGGAGGATCTGGAGGCCCTGGTGATGCCCACTCTGCGCCAGGCCGCT-3'
Protein context (NP_055040.2, residues 222-242): LLAVEACVNI[Ala232=]QLLPQEDLEA